The following is an entry in ClinVar:

ClinVar aggregate classification (germline): Uncertain significance (1 of 4 stars; one submission).

Conditions:
Hyperphosphatasia with impaired intellectual development syndrome 2. Also called: Hyperphosphatasia with intellectual disability syndrome 2; GLYCOSYLPHOSPHATIDYLINOSITOL BIOSYNTHESIS DEFECT 6. Identifiers: Orphanet 247262, MedGen C3553637, MONDO:0013882, OMIM 614749.

Allele frequency attached by ClinVar (database versions not stated): gnomAD exomes below 0.00001; TOPMed below 0.00001.

Submission:

Labcorp Genetics (formerly Invitae), Labcorp
Classification: Uncertain significance for Hyperphosphatasia with impaired intellectual development syndrome 2. Last evaluated: 2022-03-19. Review status: criteria provided, single submitter. Criteria: Invitae Variant Classification Sherloc (09022015). Collection method: clinical testing. Allele origin: germline.
Comment: This sequence change replaces cysteine, which is neutral and slightly polar, with tyrosine, which is neutral and polar, at codon 439 of the PIGO protein (p.Cys439Tyr). This variant is present in population databases (no rsID available, gnomAD 0.0009%). This variant has not been reported in the literature in individuals affected with PIGO-related conditions. Algorithms developed to predict the effect of missense changes on protein structure and function are either unavailable or do not agree on the potential impact of this missense change (SIFT: "Deleterious"; PolyPhen-2: "Probably Damaging"; Align-GVGD: "Class C0"). Algorithms developed to predict the effect of sequence changes on RNA splicing suggest that this variant may create or strengthen a splice site. In summary, the available evidence is currently insufficient to determine the role of this variant in disease. Therefore, it has been classified as a Variant of Uncertain Significance.

NM_032634.4(PIGO):c.1316G>A (p.Cys439Tyr)

Gene: PIGO (phosphatidylinositol glycan anchor biosynthesis class O; minus strand). Cytogenetic location: 9p13.3.
Variant type: single nucleotide variant.
Coding change: c.1316G>A on transcript NM_032634.4 (MANE Select); coding-DNA position 1316, G replaced by A.
Protein change: p.Cys439Tyr; replaces cysteine 439 with tyrosine.
Molecular consequence: missense variant.
Genome position (GRCh38, 1-based): chr9:35,092,571, C>T on the plus strand (G>A on the coding strand, the complement: PIGO is on the minus strand). VCF-style: chr9-35092571-C-T. GRCh37 (hg19) VCF-style: chr9-35092568-C-T.
Other names: c.1316G>A, p.Cys439Tyr (NM_001201484.2, NM_152850.4); short protein forms C439Y.
Identifiers: ClinVar variation 2114532 (VCV002114532.1), dbSNP rs982302129, ClinGen allele CA192711880.